The following is an entry in ClinVar:

ClinVar aggregate classification (germline): Conflicting classifications of pathogenicity. Review status: criteria provided, conflicting classifications (1 of 4 stars). 10 submissions from 10 submitters: Uncertain significance (2); Benign (1); Likely benign (5). 2 of the submissions do not count toward it. Last evaluated 2026-04-03.

Conditions:
CARD14-related disorder. Also called: CARD14-related condition.
Autoinflammatory syndrome. Identifiers: Orphanet 93665, MedGen C3890737, MONDO:0019751.
Inborn genetic diseases. Identifiers: MedGen C0950123, MeSH D030342.
Pityriasis rubra pilaris (PRP). Also called: Pityriasis rubra pilaris--familial type. Identifiers: Orphanet 2897, MedGen C0032027, MONDO:0100017, OMIM 173200, MONDO:0008251.
Psoriasis 2. Identifiers: MedGen C1864497, MONDO:0011269, OMIM 602723.

Allele frequency attached by ClinVar (database versions not stated): 1000 Genomes Project 30x 0.00016; gnomAD 0.00102 and 0.00104; gnomAD exomes 0.00106 and 0.00209; TOPMed 0.00107; ESP Exome Variant Server 0.00146; ExAC 0.00186.
gnomAD v4.1: 3,173 of 1,587,026 alleles (0.2%); highest among the groups gnomAD compares: Non-Finnish European, 0.25%; 7 homozygotes.

Submissions (10):

Women's Health and Genetics/Laboratory Corporation of America, LabCorp
Classification: Likely benign. Last evaluated: 2026-04-03. Review status: criteria provided, single submitter. Criteria: LabCorp Variant Classification Summary - May 2015. Collection method: clinical testing. Allele origin: germline.

CeGaT Center for Human Genetics Tuebingen
Classification: Benign. Last evaluated: 2026-02-01. Review status: criteria provided, single submitter. Criteria: CeGaT Center For Human Genetics Tuebingen Variant Classification Criteria Version 2. Collection method: clinical testing. Allele origin: germline. Affected: yes. Observed: 3 variant alleles.
Comment: CARD14: BS1, BS2

Labcorp Genetics (formerly Invitae), Labcorp
Classification: Likely benign for Pityriasis rubra pilaris; Psoriasis 2. Last evaluated: 2026-01-30. Review status: criteria provided, single submitter. Criteria: Invitae Variant Classification Sherloc (09022015). Collection method: clinical testing. Allele origin: germline.

Ambry Genetics
Classification: Uncertain significance for Inborn genetic diseases. Last evaluated: 2025-09-26. Review status: criteria provided, single submitter. Criteria: Ambry Variant Classification Scheme 2023. Collection method: clinical testing. Allele origin: germline.

Mayo Clinic Laboratories, Mayo Clinic
Classification: Likely benign. Last evaluated: 2025-02-12. Review status: criteria provided, single submitter. Criteria: ACMG Guidelines, 2015. Collection method: clinical testing. Allele origin: germline. Observed: 6 variant alleles.
Comment: BS1, BS3_supporting, BP4_moderate

Blueprint Genetics
Classification: Likely benign. Last evaluated: 2024-11-21. Review status: criteria provided, single submitter. Criteria: ACMG Guidelines, 2015. Collection method: clinical testing. Allele origin: germline.

Genome Diagnostics Laboratory, The Hospital for Sick Children
Classification: Likely benign for Autoinflammatory syndrome. Last evaluated: 2017-05-04. Review status: criteria provided, single submitter. Criteria: ACMG Guidelines, 2015. Collection method: clinical testing. Allele origin: germline. Affected: yes.

Center for Genomics, Ann and Robert H. Lurie Children's Hospital of Chicago
Classification: Uncertain significance for Psoriasis 2; Pityriasis rubra pilaris. Review status: criteria provided, single submitter. Criteria: ACMG Guidelines, 2015. Collection method: clinical testing. Allele origin: germline.
Comment: This variant has not been reported in the literature but is present in 0.1% (125/67922) of European alleles in the Genome Aggregation Database. This variant is present in ClinVar (Variation ID:68781). This variant amino acid Arginine (Arg) is present in several species including multiple mammals and is not well conserved among evolutionarily distant species; this suggests that this variant may not impact the protein. Additional computational prediction tools do not suggest an impact. In summary, data on this variant is insufficient for disease classification. Therefore, the clinical significance of this variant is uncertain.

PreventionGenetics, part of Exact Sciences
Classification: Likely benign for CARD14-related condition. Last evaluated: 2022-09-01. Review status: no assertion criteria provided. Collection method: clinical testing. Allele origin: germline. Not counted in ClinVar's aggregate classification.
Comment: This variant is classified as likely benign based on ACMG/AMP sequence variant interpretation guidelines (Richards et al. 2015 PMID: 25741868, with internal and published modifications).

UniProtKB/Swiss-Prot
No classification provided. Review status: no classification provided. Collection method: not provided. Allele origin: not provided. Not counted in ClinVar's aggregate classification.

Literature cited by the submitters: PubMed 22521419 (cited by Mayo Clinic Laboratories, Mayo Clinic); PubMed 26358359 (cited by Mayo Clinic Laboratories, Mayo Clinic); PubMed 27939769 (cited by Mayo Clinic Laboratories, Mayo Clinic); PubMed 30386326 (cited by Mayo Clinic Laboratories, Mayo Clinic); PubMed 32323375 (cited by Mayo Clinic Laboratories, Mayo Clinic).

NM_001366385.1(CARD14):c.449T>G (p.Leu150Arg)

Gene: CARD14 (caspase recruitment domain family member 14; plus strand). Cytogenetic location: 17q25.3.
Variant type: single nucleotide variant.
Coding change: c.449T>G on transcript NM_001366385.1 (MANE Select); coding-DNA position 449, T replaced by G.
Protein change: p.Leu150Arg; replaces leucine 150 with arginine.
Molecular consequence: missense variant. On other transcripts: non-coding transcript variant (1).
Genome position (GRCh38, 1-based): chr17:80,184,012, T>G. VCF-style: chr17-80184012-T-G. GRCh37 (hg19) VCF-style: chr17-78157811-T-G.
Other names: c.449T>G, p.Leu150Arg (NM_024110.4, NM_001257970.1); c.449T>G (NM_024110.3); short protein forms L150R.
Identifiers: ClinVar variation 68781 (VCV000068781.45), dbSNP rs146214639, ClinGen allele CA219912.